The following is an entry in ClinVar:

ClinVar aggregate classification (germline): Uncertain significance (1 of 4 stars; one submission).

Submission:

GeneDx
Classification: Uncertain significance. Last evaluated: 2025-02-06. Review status: criteria provided, single submitter. Criteria: GeneDx Variant Classification Process June 2021. Collection method: clinical testing. Allele origin: germline. Affected: yes.
Comment: Not observed at significant frequency in large population cohorts (gnomAD); In silico analysis supports that this missense variant has a deleterious effect on protein structure/function; Has not been previously published as pathogenic or benign to our knowledge

NM_021035.3(ZNFX1):c.4010G>A (p.Cys1337Tyr)

Gene: ZNFX1 (zinc finger NFX1-type containing 1; minus strand). Cytogenetic location: 20q13.13.
Variant type: single nucleotide variant.
Coding change: c.4010G>A on transcript NM_021035.3 (MANE Select); coding-DNA position 4010, G replaced by A.
Protein change: p.Cys1337Tyr; replaces cysteine 1337 with tyrosine.
Molecular consequence: missense variant.
Genome position (GRCh38, 1-based): chr20:49,249,014, C>T on the plus strand (G>A on the coding strand, the complement: ZNFX1 is on the minus strand). VCF-style: chr20-49249014-C-T. GRCh37 (hg19) VCF-style: chr20-47865551-C-T.
Other names: short protein forms C1337Y.
Identifiers: ClinVar variation 4074673 (VCV004074673.1).